The following is an entry in ClinVar:

NM_001130004.2(ACTN1):c.1422C>G (p.Ala474=)

Gene: ACTN1 (actinin alpha 1; minus strand). Cytogenetic location: 14q24.1.
Variant type: single nucleotide variant.
Coding change: c.1422C>G on transcript NM_001130004.2 (MANE Select); coding-DNA position 1422, C replaced by G.
Protein change: p.Ala474=; no amino-acid change (alanine 474 retained).
Molecular consequence: synonymous variant.
Genome position (GRCh38, 1-based): chr14:68,884,847, G>C on the plus strand (C>G on the coding strand, the complement: ACTN1 is on the minus strand). VCF-style: chr14-68884847-G-C. GRCh37 (hg19) VCF-style: chr14-69351564-G-C.
Other names: c.1422C>G, p.Ala474= (NM_001102.4, NM_001130005.2, NM_001424012.1 and 7 more transcripts); c.1446C>G, p.Ala482= (NM_001411035.1, NM_001424016.1); c.1227C>G, p.Ala409= (NM_001411036.1, NM_001424026.1, NM_001424028.1); c.1548C>G, p.Ala516= (NM_001424013.1); c.1509C>G, p.Ala503= (NM_001424015.1); c.1419C>G, p.Ala473= (NM_001424017.1); c.1383C>G, p.Ala461= (NM_001424018.1); c.1359C>G, p.Ala453= (NM_001424020.1, NM_001424022.1); and 2 more.
Identifiers: ClinVar variation 4988035 (VCV004988035.1).

ClinVar aggregate classification (germline): Likely benign (1 of 4 stars; one submission).

Conditions:
ACTN1-related disorder. Also called: ACTN1-related condition.

gnomAD v4.1: 6 of 1,614,192 alleles (0.00037%); highest among the groups gnomAD compares: Admixed American, 0.01%; no homozygotes.

Submission:

PreventionGenetics, part of Exact Sciences
Classification: Likely benign for ACTN1-related condition. Last evaluated: 2025-07-23. Review status: criteria provided, single submitter. Criteria: ACMG Guidelines, 2015. Collection method: clinical testing. Allele origin: germline.
Comment: This variant is classified as likely benign based on ACMG/AMP sequence variant interpretation guidelines (Richards et al. 2015 PMID: 25741868, with internal and published modifications).